The following is an entry in ClinVar:

ClinVar aggregate classification (germline): Uncertain significance. Review status: criteria provided, multiple submitters, no conflicts (2 of 4 stars). 2 submissions from 2 submitters: Uncertain significance (2). Last evaluated 2025-06-20.

Conditions:
Autosomal recessive limb-girdle muscular dystrophy type 2Y (MRRSDC). Also called: Muscular dystrophy, limb-girdle, type 2y; Muscular dystrophy, autosomal recessive, with rigid spine and distal joint contractures. Identifiers: Orphanet 424261, MedGen C4511482, MONDO:0014900, OMIM 617072.

Submissions (2):

Revvity Omics, Revvity
Classification: Uncertain significance. Last evaluated: 2025-06-20. Review status: criteria provided, single submitter. Criteria: ACMG Guidelines, 2015. Collection method: clinical testing. Allele origin: germline.

Labcorp Genetics (formerly Invitae), Labcorp
Classification: Uncertain significance for Autosomal recessive limb-girdle muscular dystrophy type 2Y. Last evaluated: 2022-10-24. Review status: criteria provided, single submitter. Criteria: Invitae Variant Classification Sherloc (09022015). Collection method: clinical testing. Allele origin: germline.
Comment: This variant, c.669_671del, results in the deletion of 1 amino acid(s) of the TOR1AIP1 protein (p.Glu223del), but otherwise preserves the integrity of the reading frame. This variant is present in population databases (rs758018677, gnomAD 0.008%). This variant has not been reported in the literature in individuals affected with TOR1AIP1-related conditions. ClinVar contains an entry for this variant (Variation ID: 933326). Experimental studies and prediction algorithms are not available or were not evaluated, and the functional significance of this variant is currently unknown. In summary, the available evidence is currently insufficient to determine the role of this variant in disease. Therefore, it has been classified as a Variant of Uncertain Significance.

NM_015602.4(TOR1AIP1):c.663AGA[1] (p.Glu222del)

Gene: TOR1AIP1 (torsin 1A interacting protein 1; plus strand). Cytogenetic location: 1q25.2.
Variant type: Microsatellite.
Coding change: c.663AGA[1] on transcript NM_015602.4 (MANE Select); one copy of the 3-base unit AGA starting at c.663; the reference has two copies in a row; one copy, 3 bases deleted.
Protein change: p.Glu222del; deletes glutamic acid 222.
Molecular consequence: inframe deletion.
Genome position (GRCh38, 1-based): chr1:179,901,315-179,901,317, AGA deleted; deleting any 3 consecutive bases within chr1:179,901,310-179,901,317 gives the same sequence; the position shown is the placement nearest the transcript's 3' end. VCF-style (leftmost placement, unchanged base first): chr1-179901309-TGAA-T. GRCh37 (hg19) VCF-style: chr1-179870444-TGAA-T.
Other names: c.666AGA[1], p.Glu223del (NM_001267578.2); short protein forms E223del, E222del.
Identifiers: ClinVar variation 933326 (VCV000933326.5), dbSNP rs758018677, ClinGen allele CA1268911.